The following is an entry in ClinVar:

ClinVar aggregate classification (germline): Uncertain significance. Review status: criteria provided, multiple submitters, no conflicts (2 of 4 stars). 5 submissions from 5 submitters: Uncertain significance (4). 1 of the submissions does not count toward it. Last evaluated 2025-10-17.

Conditions:
DNAI2-related disorder. Also called: DNAI2-related condition.
Primary ciliary dyskinesia. Also called: Ciliary dyskinesia. Identifiers: Orphanet 244, MedGen C0008780, MONDO:0016575, HP:0012265.

Allele frequency attached by ClinVar (database versions not stated): TOPMed 0.00006; gnomAD 0.00010; gnomAD exomes 0.00012; ESP Exome Variant Server 0.00015; ExAC 0.00019.
gnomAD v4.1: 134 of 1,614,054 alleles (0.0083%); highest among the groups gnomAD compares: Non-Finnish European, 0.0096%; no homozygotes.

Submissions (5):

GeneDx
Classification: Uncertain significance. Last evaluated: 2025-10-17. Review status: criteria provided, single submitter. Criteria: GeneDx Variant Classification Process June 2021. Collection method: clinical testing. Allele origin: germline.
Comment: In silico analysis supports that this missense variant has a deleterious effect on protein structure/function; Has not been previously published as pathogenic or benign to our knowledge

Blueprint Genetics
Classification: Uncertain significance. Last evaluated: 2024-05-31. Review status: criteria provided, single submitter. Criteria: ACMG Guidelines, 2015. Collection method: clinical testing. Allele origin: germline.

PreventionGenetics, part of Exact Sciences
Classification: Uncertain significance for DNAI2-related condition. Last evaluated: 2023-08-14. Review status: criteria provided, single submitter. Criteria: ACMG Guidelines, 2015. Collection method: clinical testing. Allele origin: germline.
Comment: The DNAI2 c.196C>T variant is predicted to result in the amino acid substitution p.Arg66Trp. To our knowledge, this variant has not been reported in the literature. This variant is reported in 0.020% of alleles in individuals of European (Finnish) descent in gnomAD. At this time, the clinical significance of this variant is uncertain due to the absence of conclusive functional and genetic evidence.

Labcorp Genetics (formerly Invitae), Labcorp
Classification: Uncertain significance for Primary ciliary dyskinesia. Last evaluated: 2021-08-30. Review status: criteria provided, single submitter. Criteria: Invitae Variant Classification Sherloc (09022015). Collection method: clinical testing. Allele origin: germline.
Comment: This sequence change replaces arginine with tryptophan at codon 66 of the DNAI2 protein (p.Arg66Trp). The arginine residue is highly conserved and there is a moderate physicochemical difference between arginine and tryptophan. This variant is present in population databases (rs371226659, ExAC 0.05%). This variant has not been reported in the literature in individuals affected with DNAI2-related conditions. Algorithms developed to predict the effect of missense changes on protein structure and function are either unavailable or do not agree on the potential impact of this missense change (SIFT: "Deleterious"; PolyPhen-2: "Benign"; Align-GVGD: "Class C0"). In summary, the available evidence is currently insufficient to determine the role of this variant in disease. Therefore, it has been classified as a Variant of Uncertain Significance.

Natera, Inc.
Classification: Uncertain significance for Primary ciliary dyskinesia. Last evaluated: 2019-10-28. Review status: no assertion criteria provided. Collection method: clinical testing. Allele origin: germline. Not counted in ClinVar's aggregate classification.

NM_023036.6(DNAI2):c.196C>T (p.Arg66Trp)

Gene: DNAI2 (dynein axonemal intermediate chain 2; plus strand). Cytogenetic location: 17q25.1.
Variant type: single nucleotide variant.
Coding change: c.196C>T on transcript NM_023036.6 (MANE Select); coding-DNA position 196, C replaced by T.
Protein change: p.Arg66Trp; replaces arginine 66 with tryptophan.
Molecular consequence: missense variant. On other transcripts: non-coding transcript variant (1).
Genome position (GRCh38, 1-based): chr17:74,285,052, C>T. VCF-style: chr17-74285052-C-T. GRCh37 (hg19) VCF-style: chr17-72281191-C-T.
Other names: c.196C>T, p.Arg66Trp (NM_001172810.3, NM_001353167.2); short protein forms R66W.
Identifiers: ClinVar variation 408959 (VCV000408959.9), dbSNP rs371226659, ClinGen allele CA8745290.